The following is an entry in ClinVar:

NM_001743.6(CALM2):c.285+5G>A

Gene: CALM2 (calmodulin 2; minus strand). Cytogenetic location: 2p21.
Variant type: single nucleotide variant.
Coding change: c.285+5G>A on transcript NM_001743.6 (MANE Select); 5 bases into the intron after coding-DNA position 285, G replaced by A.
Molecular consequence: intron variant.
Genome position (GRCh38, 1-based): chr2:47,162,281, C>T on the plus strand (G>A on the coding strand, the complement: CALM2 is on the minus strand). VCF-style: chr2-47162281-C-T. GRCh37 (hg19) VCF-style: chr2-47389420-C-T.
Other names: c.429+5G>A (NM_001305624.1); c.177+5G>A (NM_001305626.1, NM_001305625.2).
Identifiers: ClinVar variation 946744 (VCV000946744.12), dbSNP rs760654198, ClinGen allele CA1648567.

ClinVar aggregate classification (germline): Uncertain significance. Review status: criteria provided, multiple submitters, no conflicts (2 of 4 stars). 2 submissions from 2 submitters: Uncertain significance (2). Last evaluated 2025-11-09.

Conditions:
Long QT syndrome 1 (LQT1). Identifiers: Orphanet 101016, Orphanet 768, MedGen C4551647, MONDO:0100316, OMIM 192500, MONDO:0008646.
Cardiovascular phenotype. Identifiers: MedGen CN230736.

Allele frequency attached by ClinVar (database versions not stated): gnomAD 0.00004; TOPMed 0.00008.
gnomAD v4.1: 13 of 1,554,488 alleles (0.00084%); highest among the groups gnomAD compares: African/African-American, 0.011%; no homozygotes.

Submissions (2):

Labcorp Genetics (formerly Invitae), Labcorp
Classification: Uncertain significance for Long QT syndrome 1. Last evaluated: 2025-11-09. Review status: criteria provided, single submitter. Criteria: Invitae Variant Classification Sherloc (09022015). Collection method: clinical testing. Allele origin: germline.
Comment: This sequence change falls in intron 4 of the CALM2 gene. It does not directly change the encoded amino acid sequence of the CALM2 protein. It affects a nucleotide within the consensus splice site. This variant is present in population databases (rs760654198, gnomAD 0.008%). This variant has not been reported in the literature in individuals affected with CALM2-related conditions. ClinVar contains an entry for this variant (Variation ID: 946744). Variants that disrupt the consensus splice site are a relatively common cause of aberrant splicing (PMID: 17576681, 9536098). Algorithms developed to predict the effect of sequence changes on RNA splicing suggest that this variant may disrupt the consensus splice site. In summary, the available evidence is currently insufficient to determine the role of this variant in disease. Therefore, it has been classified as a Variant of Uncertain Significance.

Ambry Genetics
Classification: Uncertain significance for Cardiovascular phenotype. Last evaluated: 2024-12-27. Review status: criteria provided, single submitter. Criteria: Ambry Variant Classification Scheme 2023. Collection method: clinical testing. Allele origin: germline.
Comment: The c.285+5G>A intronic variant results from a G to A substitution 5 nucleotides after coding exon 4 in the CALM2 gene. This nucleotide position is poorly conserved in available vertebrate species. In silico splice site analysis predicts that this alteration will not have any significant effect on splicing. Since supporting evidence is limited at this time, the clinical significance of this alteration remains unclear.

Literature cited by the submitters: PubMed 17576681 (cited by Labcorp Genetics (formerly Invitae), Labcorp); PubMed 9536098 (cited by Labcorp Genetics (formerly Invitae), Labcorp).